The following is an entry in ClinVar:

ClinVar aggregate classification (germline): Uncertain significance (1 of 4 stars; one submission).

gnomAD v4.1: 1 of 1,614,272 alleles (0.000062%); highest among the groups gnomAD compares: Non-Finnish European, 0.000085%; no homozygotes.

Submission:

GeneDx
Classification: Uncertain significance. Last evaluated: 2024-12-13. Review status: criteria provided, single submitter. Criteria: GeneDx Variant Classification Process June 2021. Collection method: clinical testing. Allele origin: germline. Affected: yes.
Comment: In silico analysis indicates that this missense variant does not alter protein structure/function; Has not been previously published as pathogenic or benign to our knowledge

NM_170606.3(KMT2C):c.13561G>A (p.Val4521Ile)

Gene: KMT2C (lysine methyltransferase 2C; minus strand). Cytogenetic location: 7q36.1.
Variant type: single nucleotide variant.
Coding change: c.13561G>A on transcript NM_170606.3 (MANE Select); coding-DNA position 13561, G replaced by A.
Protein change: p.Val4521Ile; replaces valine 4521 with isoleucine.
Molecular consequence: missense variant.
Genome position (GRCh38, 1-based): chr7:152,148,366, C>T on the plus strand (G>A on the coding strand, the complement: KMT2C is on the minus strand). VCF-style: chr7-152148366-C-T. GRCh37 (hg19) VCF-style: chr7-151845451-C-T.
Other names: short protein forms V4521I.
Identifiers: ClinVar variation 3903076 (VCV003903076.1).
Genomic context (GRCh38, chr7:152,148,366, plus strand): 5'-GTTGCACGATGCTAGCAATCTGTCGCACCTCATCACGCTGAACATAGACCCTCCTGAAGA[C>T]TGCAAAGTAACTTAATTCTTGCTCATGAATTCCCTTTGGTTTGTGCATGGGGCAAAGCAT-3'
Protein context (NP_733751.2, residues 4511-4531): IHEQELSYFA[Val4521Ile]FRRVYVQRDE